The following is an entry in ClinVar:

NM_003737.4(DCHS1):c.6074C>T (p.Ser2025Phe)

Gene: DCHS1 (dachsous cadherin-related 1; minus strand). Cytogenetic location: 11p15.4.
Variant type: single nucleotide variant.
Coding change: c.6074C>T on transcript NM_003737.4 (MANE Select); coding-DNA position 6074, C replaced by T.
Protein change: p.Ser2025Phe; replaces serine 2025 with phenylalanine.
Molecular consequence: missense variant.
Genome position (GRCh38, 1-based): chr11:6,626,965, G>A on the plus strand (C>T on the coding strand, the complement: DCHS1 is on the minus strand). VCF-style: chr11-6626965-G-A. GRCh37 (hg19) VCF-style: chr11-6648196-G-A.
Other names: short protein forms S2025F.
Identifiers: ClinVar variation 1372787 (VCV001372787.6), dbSNP rs1352438833, ClinGen allele CA379389470.

ClinVar aggregate classification (germline): Uncertain significance (1 of 4 stars; one submission).

Submission:

Labcorp Genetics (formerly Invitae), Labcorp
Classification: Uncertain significance. Last evaluated: 2022-07-19. Review status: criteria provided, single submitter. Criteria: Invitae Variant Classification Sherloc (09022015). Collection method: clinical testing. Allele origin: germline.
Comment: In summary, the available evidence is currently insufficient to determine the role of this variant in disease. Therefore, it has been classified as a Variant of Uncertain Significance. Advanced modeling of protein sequence and biophysical properties (such as structural, functional, and spatial information, amino acid conservation, physicochemical variation, residue mobility, and thermodynamic stability) performed at Invitae indicates that this missense variant is not expected to disrupt DCHS1 protein function. ClinVar contains an entry for this variant (Variation ID: 1372787). This variant has not been reported in the literature in individuals affected with DCHS1-related conditions. This variant is not present in population databases (gnomAD no frequency). This sequence change replaces serine, which is neutral and polar, with phenylalanine, which is neutral and non-polar, at codon 2025 of the DCHS1 protein (p.Ser2025Phe).